The following is an entry in ClinVar:

ClinVar aggregate classification (germline): Uncertain significance. Review status: criteria provided, multiple submitters, no conflicts (2 of 4 stars). 3 submissions from 3 submitters: Uncertain significance (2). 1 of the submissions does not count toward it. Last evaluated 2025-09-30.

Conditions:
Epidermolysis bullosa dystrophica inversa, autosomal recessive. Identifiers: MedGen C2673612.

Allele frequency attached by ClinVar (database versions not stated): gnomAD exomes below 0.00001.
gnomAD v4.1: 2 of 1,613,886 alleles (0.00012%); highest among the groups gnomAD compares: Middle Eastern, 0.016%; no homozygotes.

Submissions (3):

Dasa
Classification: Uncertain significance. Last evaluated: 2025-09-30. Review status: criteria provided, single submitter. Criteria: DASA Assertion Criteria. Collection method: clinical testing. Allele origin: germline.
Comment: NM_000094.4(COL7A1):c.8800G>T (p.Val2934Phe) is a missense variant that results in the substitution of valine with phenylalanine. This variant is rare in population databases. The currently available literature and clinical evidence are not sufficient to establish a definitive association between this variant and the reported condition. Therefore, this variant is classified as a variant of uncertain significance.

Women's Health and Genetics/Laboratory Corporation of America, LabCorp
Classification: Uncertain significance. Last evaluated: 2023-08-09. Review status: criteria provided, single submitter. Criteria: LabCorp Variant Classification Summary - May 2015. Collection method: clinical testing. Allele origin: germline.

Natera, Inc.
Classification: Uncertain significance for Autosomal recessive epidermolysis bullosa dystrophica inversa. Last evaluated: 2020-10-30. Review status: no assertion criteria provided. Collection method: clinical testing. Allele origin: germline. Not counted in ClinVar's aggregate classification.

NM_000094.4(COL7A1):c.8800G>T (p.Val2934Phe)

Gene: COL7A1 (collagen type VII alpha 1 chain; minus strand). Cytogenetic location: 3p21.31.
Variant type: single nucleotide variant.
Coding change: c.8800G>T on transcript NM_000094.4 (MANE Select); coding-DNA position 8800, G replaced by T.
Protein change: p.Val2934Phe; replaces valine 2934 with phenylalanine.
Molecular consequence: missense variant.
Genome position (GRCh38, 1-based): chr3:48,564,801, C>A on the plus strand (G>T on the coding strand, the complement: COL7A1 is on the minus strand). VCF-style: chr3-48564801-C-A. GRCh37 (hg19) VCF-style: chr3-48602234-C-A.
Other names: c.8800G>T (NM_000094.3); short protein forms V2934F.
Identifiers: ClinVar variation 989692 (VCV000989692.4), dbSNP rs903839030, ClinGen allele CA352632510.